The following is an entry in ClinVar:

NM_013444.4(UBQLN2):c.144G>A (p.Val48=)

Gene: UBQLN2 (ubiquilin 2; plus strand). Cytogenetic location: Xp11.21.
Variant type: single nucleotide variant.
Coding change: c.144G>A on transcript NM_013444.4 (MANE Select); coding-DNA position 144, G replaced by A.
Protein change: p.Val48=; no amino-acid change (valine 48 retained).
Molecular consequence: synonymous variant.
Genome position (GRCh38, 1-based): chrX:56,564,017, G>A. VCF-style: chrX-56564017-G-A. GRCh37 (hg19) VCF-style: chrX-56590450-G-A.
Identifiers: ClinVar variation 2660709 (VCV002660709.24), dbSNP rs1438489280, ClinGen allele CA516700616.

ClinVar aggregate classification (germline): Likely benign (1 of 4 stars; one submission).

Allele frequency attached by ClinVar (database versions not stated): TOPMed below 0.00001; gnomAD exomes 0.00001.
gnomAD v4.1: 3 of 1,181,550 alleles (0.00025%); highest among the groups gnomAD compares: Non-Finnish European, 0.00034%; no homozygotes.

Submission:

CeGaT Center for Human Genetics Tuebingen
Classification: Likely benign. Last evaluated: 2023-05-01. Review status: criteria provided, single submitter. Criteria: CeGaT Center For Human Genetics Tuebingen Variant Classification Criteria Version 2. Collection method: clinical testing. Allele origin: germline. Affected: yes. Observed: 1 variant allele.
Comment: UBQLN2: BP4, BP7